The following is an entry in ClinVar:

ClinVar aggregate classification (germline): Uncertain significance (1 of 4 stars; one submission).

Conditions:
Birt-Hogg-Dube syndrome. Also called: Birt Hogg Dubé syndrome. Identifiers: Orphanet 122, MedGen C0346010, MONDO:0800444.

Submission:

Labcorp Genetics (formerly Invitae), Labcorp
Classification: Uncertain significance for Birt-Hogg-Dube syndrome. Last evaluated: 2021-06-29. Review status: criteria provided, single submitter. Criteria: Invitae Variant Classification Sherloc (09022015). Collection method: clinical testing. Allele origin: germline.
Comment: In summary, the available evidence is currently insufficient to determine the role of this variant in disease. Therefore, it has been classified as a Variant of Uncertain Significance. Experimental studies and prediction algorithms are not available for this variant, and the functional significance of the duplicated amino acids is currently unknown. This variant has not been reported in the literature in individuals with FLCN-related disease. This variant is a gross duplication of the genomic region encompassing exons 10-14 of the FLCN gene. The 5' boundary is likely confined to intron 9. The 3' end of this event is unknown as it extends beyond the assayed region for this gene and therefore may encompass additional genes. The exact location of this variant in the genome is unknown.

NC_000017.10:g.(?_17116969)_(17120506_?)dup

Gene: FLCN (folliculin; minus strand). Cytogenetic location: 17p11.2.
Variant type: Duplication.
Identifiers: ClinVar variation 1441721 (VCV001441721.8).